The following is an entry in ClinVar:

NM_032043.3(BRIP1):c.1612T>C (p.Phe538Leu)

Gene: BRIP1 (BRCA1 interacting DNA helicase 1; minus strand). Cytogenetic location: 17q23.2.
Variant type: single nucleotide variant.
Coding change: c.1612T>C on transcript NM_032043.3 (MANE Select); coding-DNA position 1612, T replaced by C.
Protein change: p.Phe538Leu; replaces phenylalanine 538 with leucine.
Molecular consequence: missense variant.
Genome position (GRCh38, 1-based): chr17:61,784,286, A>G on the plus strand (T>C on the coding strand, the complement: BRIP1 is on the minus strand). VCF-style: chr17-61784286-A-G. GRCh37 (hg19) VCF-style: chr17-59861647-A-G.
Other names: short protein forms F538L.
Identifiers: ClinVar variation 819666 (VCV000819666.13), dbSNP rs1603336907, ClinGen allele CA400480933.

ClinVar aggregate classification (germline): Uncertain significance. Review status: criteria provided, multiple submitters, no conflicts (2 of 4 stars). 2 submissions from 2 submitters: Uncertain significance (2). Last evaluated 2022-12-16.

Conditions:
Familial cancer of breast. Also called: Hereditary breast cancer; hereditary breast carcinoma; BREAST CANCER, FAMILIAL. Identifiers: Orphanet 227535, MedGen C0346153, MONDO:0016419, OMIM 114480. Disease mechanism: loss of function.
Fanconi anemia complementation group J. Also called: BRIP1-Related Fanconi Anemia. Identifiers: Orphanet 84, MedGen C1836860, MONDO:0012187, OMIM 609054.
Hereditary cancer-predisposing syndrome. Also called: Hereditary Cancer Syndrome; Neoplastic Syndromes, Hereditary; Hereditary neoplastic syndrome; Tumor predisposition. Identifiers: Orphanet 140162, MedGen C0027672, MeSH D009386, MONDO:0015356.

Submissions (2):

Ambry Genetics
Classification: Uncertain significance for Hereditary cancer-predisposing syndrome. Last evaluated: 2022-12-16. Review status: criteria provided, single submitter. Criteria: Ambry Variant Classification Scheme 2023. Collection method: clinical testing. Allele origin: germline.
Comment: The p.F538L variant (also known as c.1612T>C), located in coding exon 10 of the BRIP1 gene, results from a T to C substitution at nucleotide position 1612. The phenylalanine at codon 538 is replaced by leucine, an amino acid with highly similar properties. This amino acid position is highly conserved in available vertebrate species. In addition, the in silico prediction for this alteration is inconclusive. Since supporting evidence is limited at this time, the clinical significance of this alteration remains unclear.

Labcorp Genetics (formerly Invitae), Labcorp
Classification: Uncertain significance for Familial cancer of breast; Fanconi anemia complementation group J. Last evaluated: 2021-02-15. Review status: criteria provided, single submitter. Criteria: Invitae Variant Classification Sherloc (09022015). Collection method: clinical testing. Allele origin: germline.
Comment: In summary, the available evidence is currently insufficient to determine the role of this variant in disease. Therefore, it has been classified as a Variant of Uncertain Significance. Algorithms developed to predict the effect of missense changes on protein structure and function (SIFT, PolyPhen-2, Align-GVGD) all suggest that this variant is likely to be tolerated, but these predictions have not been confirmed by published functional studies and their clinical significance is uncertain. This variant has not been reported in the literature in individuals with BRIP1-related conditions. ClinVar contains an entry for this variant (Variation ID: 819666). This variant is not present in population databases (ExAC no frequency). This sequence change replaces phenylalanine with leucine at codon 538 of the BRIP1 protein (p.Phe538Leu). The phenylalanine residue is highly conserved and there is a small physicochemical difference between phenylalanine and leucine.